The following is an entry in ClinVar:

ClinVar aggregate classification (germline): Uncertain significance (1 of 4 stars; one submission).

Allele frequency attached by ClinVar (database versions not stated): gnomAD exomes 0.00001; gnomAD 0.00003.
gnomAD v4.1: 19 of 1,606,586 alleles (0.0012%); highest among the groups gnomAD compares: South Asian, 0.021%; no homozygotes.

Submission:

Ambry Genetics
Classification: Uncertain significance. Last evaluated: 2021-10-13. Review status: criteria provided, single submitter. Criteria: Ambry Variant Classification Scheme 2023. Collection method: clinical testing. Allele origin: germline.
Comment: The p.L880F variant (also known as c.2638C>T), located in coding exon 22 of the BUB1 gene, results from a C to T substitution at nucleotide position 2638. The leucine at codon 880 is replaced by phenylalanine, an amino acid with highly similar properties. This amino acid position is conserved. In addition, this alteration is predicted to be tolerated by in silico analysis. Since supporting evidence is limited at this time, the clinical significance of this alteration remains unclear.

NM_004336.5(BUB1):c.2638C>T (p.Leu880Phe)

Gene: BUB1 (BUB1 mitotic checkpoint serine/threonine kinase; minus strand). Cytogenetic location: 2q13.
Variant type: single nucleotide variant.
Coding change: c.2638C>T on transcript NM_004336.5 (MANE Select); coding-DNA position 2638, C replaced by T.
Protein change: p.Leu880Phe; replaces leucine 880 with phenylalanine.
Molecular consequence: missense variant. On other transcripts: intron variant (1).
Genome position (GRCh38, 1-based): chr2:110,641,452, G>A on the plus strand (C>T on the coding strand, the complement: BUB1 is on the minus strand). VCF-style: chr2-110641452-G-A. GRCh37 (hg19) VCF-style: chr2-111399029-G-A.
Other names: c.2578C>T, p.Leu860Phe (NM_001278616.2); c.2625+190C>T (NM_001278617.2); short protein forms L860F, L880F.
Identifiers: ClinVar variation 1794145 (VCV001794145.2), dbSNP rs1335065650, ClinGen allele CA348089958.
Genomic context (GRCh38, chr2:110,641,452, plus strand): 5'-TCATAGCAAAAGAGATGACAAGACCTTGAGGCATCACTTTTTCAGGGGTATTTTTATAGA[G>A]GTTAATGGCATTCTAGGAACAATGGAAAGTGGAATCCTGAGTTAGTTGCACAAGATTAAT-3'
Protein context (NP_004327.1, residues 870-890): SYGTLLNAIN[Leu880Phe]YKNTPEKVMP